The following is an entry in ClinVar:

ClinVar aggregate classification (germline): Uncertain significance. Review status: criteria provided, multiple submitters, no conflicts (2 of 4 stars). 5 submissions from 5 submitters: Uncertain significance (4). 1 of the submissions does not count toward it. Last evaluated 2024-04-03.

Conditions:
Muscular dystrophy-dystroglycanopathy (congenital with brain and eye anomalies), type A3. Also called: Muscular dystrophy-dystroglycanopathy (congenital with brain and eye anomalies), type A, 3; Congenital muscular dystrophy-dystroglycanopathy with brain and eye anomalies, type A3; WALKER-WARBURG SYNDROME OR MUSCLE-EYE-BRAIN DISEASE, POMGNT1-RELATED. Identifiers: MedGen C3151519, MONDO:0009667, OMIM 253280.
Retinitis pigmentosa 76 (RP76). Identifiers: MedGen C4310704, MONDO:0014929, OMIM 617123.
Autosomal recessive limb-girdle muscular dystrophy type 2O. Also called: MUSCULAR DYSTROPHY-DYSTROGLYCANOPATHY (LIMB-GIRDLE), TYPE C, 3; MUSCULAR DYSTROPHY-DYSTROGLYCANOPATHY, LIMB-GIRDLE, POMGNT1-RELATED; Limb-Girdle Muscular Dystrophy Type 3C. Identifiers: Orphanet 206564, MedGen C3150417, MONDO:0013161, OMIM 613157.
Muscular dystrophy-dystroglycanopathy (congenital with impaired intellectual development), type B, 3. Also called: Muscular dystrophy-dystroglycanopathy (congenital with intellectual disability), type B3; MUSCULAR DYSTROPHY, CONGENITAL, POMGNT1-RELATED. Identifiers: MedGen C3150412, MONDO:0013155, OMIM 613151.
Muscle eye brain disease (MEB). Also called: Santavuori congenital muscular dystrophy. Identifiers: Orphanet 588, Orphanet 899, MedGen C0457133, MONDO:0018939.

Allele frequency attached by ClinVar (database versions not stated): gnomAD exomes below 0.00001.
gnomAD v4.1: 11 of 1,601,332 alleles (0.00069%); highest among the groups gnomAD compares: African/African-American, 0.0027%; no homozygotes.

Submissions (5):

Blueprint Genetics
Classification: Uncertain significance. Last evaluated: 2024-04-03. Review status: criteria provided, single submitter. Criteria: ACMG Guidelines, 2015. Collection method: clinical testing. Allele origin: germline.

GeneDx
Classification: Uncertain significance. Last evaluated: 2023-03-20. Review status: criteria provided, single submitter. Criteria: GeneDx Variant Classification Process June 2021. Collection method: clinical testing. Allele origin: germline. Affected: yes.
Comment: Not observed at significant frequency in large population cohorts (gnomAD); In silico analysis supports that this missense variant has a deleterious effect on protein structure/function; Has not been previously published as pathogenic or benign to our knowledge; This variant is associated with the following publications: (PMID: 24282183, 25326804)

Labcorp Genetics (formerly Invitae), Labcorp
Classification: Uncertain significance for Autosomal recessive limb-girdle muscular dystrophy type 2O; Muscular dystrophy-dystroglycanopathy (congenital with impaired intellectual development), type B, 3. Last evaluated: 2022-10-18. Review status: criteria provided, single submitter. Criteria: Invitae Variant Classification Sherloc (09022015). Collection method: clinical testing. Allele origin: germline.
Comment: This sequence change replaces arginine, which is basic and polar, with glutamine, which is neutral and polar, at codon 171 of the POMGNT1 protein (p.Arg171Gln). The frequency data for this variant in the population databases is considered unreliable, as metrics indicate poor data quality at this position in the gnomAD database. This variant has not been reported in the literature in individuals affected with POMGNT1-related conditions. ClinVar contains an entry for this variant (Variation ID: 989708). Advanced modeling of protein sequence and biophysical properties (such as structural, functional, and spatial information, amino acid conservation, physicochemical variation, residue mobility, and thermodynamic stability) performed at Invitae indicates that this missense variant is not expected to disrupt POMGNT1 protein function. In summary, the available evidence is currently insufficient to determine the role of this variant in disease. Therefore, it has been classified as a Variant of Uncertain Significance.

Fulgent Genetics
Classification: Uncertain significance for Muscular dystrophy-dystroglycanopathy (congenital with brain and eye anomalies), type A3; Muscular dystrophy-dystroglycanopathy (congenital with impaired intellectual development), type B, 3; Autosomal recessive limb-girdle muscular dystrophy type 2O; Retinitis pigmentosa 76. Last evaluated: 2022-03-10. Review status: criteria provided, single submitter. Criteria: ACMG Guidelines, 2015. Collection method: clinical testing. Allele origin: unknown.

Natera, Inc.
Classification: Uncertain significance for Muscle-eye-brain disease. Last evaluated: 2020-08-14. Review status: no assertion criteria provided. Collection method: clinical testing. Allele origin: germline. Not counted in ClinVar's aggregate classification.

NM_017739.4(POMGNT1):c.512G>A (p.Arg171Gln)

Genes: POMGNT1 (protein O-linked mannose N-acetylglucosaminyltransferase 1 (beta 1,2-); minus strand), TSPAN1 (tetraspanin 1; plus strand). Cytogenetic location: 1p34.1.
Variant type: single nucleotide variant.
Coding change: c.512G>A on transcript NM_017739.4 (MANE Select); coding-DNA position 512, G replaced by A.
Protein change: p.Arg171Gln; replaces arginine 171 with glutamine.
Molecular consequence: missense variant.
Genome position (GRCh38, 1-based): chr1:46,195,833, C>T on the plus strand (G>A on the coding strand, the complement: POMGNT1 is on the minus strand). VCF-style: chr1-46195833-C-T. GRCh37 (hg19) VCF-style: chr1-46661505-C-T.
Other names: c.512G>A, p.Arg171Gln (NM_001243766.2, NM_001410783.1); c.446G>A, p.Arg149Gln (NM_001290129.3); c.83G>A, p.Arg28Gln (NM_001290130.2); c.512G>A (NM_017739.3); short protein forms R149Q, R171Q, R28Q.
Identifiers: ClinVar variation 989708 (VCV000989708.6), dbSNP rs1046275062, ClinGen allele CA21917521.